The following is an entry in ClinVar:

NM_003190.5(TAPBP):c.81T>A (p.Cys27Ter)

Gene: TAPBP (TAP binding protein; minus strand). Cytogenetic location: 6p21.32.
Variant type: single nucleotide variant.
Coding change: c.81T>A on transcript NM_003190.5 (MANE Select); coding-DNA position 81, T replaced by A.
Protein change: p.Cys27Ter; replaces cysteine 27 with a stop codon.
Molecular consequence: nonsense.
Genome position (GRCh38, 1-based): chr6:33,313,821, A>T on the plus strand (T>A on the coding strand, the complement: TAPBP is on the minus strand). VCF-style: chr6-33313821-A-T. GRCh37 (hg19) VCF-style: chr6-33281598-A-T.
Other names: c.81T>A, p.Cys27Ter (NM_172208.3, NM_172209.3); short protein forms C27*.
Identifiers: ClinVar variation 1425549 (VCV001425549.6), dbSNP rs754987188, ClinGen allele CA3755973.

ClinVar aggregate classification (germline): Uncertain significance (1 of 4 stars; one submission).

Conditions:
MHC class I deficiency. Identifiers: Orphanet 34592, MedGen C6024714, MONDO:0011476.

Allele frequency attached by ClinVar (database versions not stated): gnomAD exomes below 0.00001; TOPMed 0.00001; ExAC 0.00001; gnomAD 0.00001.
gnomAD v4.1: 3 of 1,613,662 alleles (0.00019%); highest among the groups gnomAD compares: African/African-American, 0.0013%; no homozygotes.

Submission:

Labcorp Genetics (formerly Invitae), Labcorp
Classification: Uncertain significance for MHC class I deficiency 1. Last evaluated: 2022-03-11. Review status: criteria provided, single submitter. Criteria: Invitae Variant Classification Sherloc (09022015). Collection method: clinical testing. Allele origin: germline.
Comment: This sequence change creates a premature translational stop signal (p.Cys27*) in the TAPBP gene. It is expected to result in an absent or disrupted protein product. However, the current clinical and genetic evidence is not sufficient to establish whether loss-of-function variants in TAPBP cause disease. This variant is present in population databases (rs754987188, gnomAD 0.01%). This variant has not been reported in the literature in individuals affected with TAPBP-related conditions. In summary, the available evidence is currently insufficient to determine the role of this variant in disease. Therefore, it has been classified as a Variant of Uncertain Significance.